The following is an entry in ClinVar:

ClinVar aggregate classification (germline): Benign/Likely benign. Review status: criteria provided, multiple submitters, no conflicts (2 of 4 stars). 6 submissions from 6 submitters: Benign (1); Likely benign (4). 1 of the submissions does not count toward it. Last evaluated 2026-02-01.

Conditions:
GPR179-related disorder. Also called: GPR179-related condition.
Congenital stationary night blindness 1E. Also called: Night blindness, congenital stationary (complete), 1E, autosomal recessive. Identifiers: Orphanet 215, MedGen C3281215, MONDO:0013807, OMIM 614565.

Allele frequency attached by ClinVar (database versions not stated): 1000 Genomes Project 0.00040; 1000 Genomes Project 30x 0.00094; gnomAD 0.00280; TOPMed 0.00357; ESP Exome Variant Server 0.00476.
gnomAD v4.1: 7,342 of 1,614,094 alleles (0.45%); highest among the groups gnomAD compares: Non-Finnish European, 0.59%; 26 homozygotes.

Submissions (6):

Labcorp Genetics (formerly Invitae), Labcorp
Classification: Benign. Last evaluated: 2026-02-01. Review status: criteria provided, single submitter. Criteria: Invitae Variant Classification Sherloc (09022015). Collection method: clinical testing. Allele origin: germline.

Blueprint Genetics
Classification: Likely benign. Last evaluated: 2024-11-19. Review status: criteria provided, single submitter. Criteria: ACMG Guidelines, 2015. Collection method: clinical testing. Allele origin: germline.

Illumina Laboratory Services, Illumina
Classification: Likely benign for Congenital stationary night blindness 1E. Last evaluated: 2018-01-13. Review status: criteria provided, single submitter. Criteria: ICSL Variant Classification Criteria 13 December 2019. Collection method: clinical testing. Allele origin: germline.
Comment: This variant was observed in the ICSL laboratory as part of a predisposition screen in an ostensibly healthy population. It had not been previously curated by ICSL or reported in the Human Gene Mutation Database (HGMD: prior to June 1st, 2018), and was therefore a candidate for classification through an automated scoring system. Utilizing variant allele frequency, disease prevalence and penetrance estimates, and inheritance mode, an automated score was calculated to assess if this variant is too frequent to cause the disease. Based on the score and internal cut-off values, a variant classified as likely benign is not then subjected to further curation. The score for this variant resulted in a classification of likely benign for this disease.

Eurofins Ntd Llc (ga)
Classification: Likely benign. Last evaluated: 2015-02-20. Review status: criteria provided, single submitter. Criteria: EGL Classification Definitions 2015. Collection method: clinical testing. Allele origin: germline. Observed: 1 variant allele, 1 heterozygote.

Breakthrough Genomics
Classification: Likely benign. Review status: criteria provided, single submitter. Criteria: ACMG Guidelines, 2015. Collection method: not provided. Allele origin: germline. Inheritance: Autosomal recessive inheritance. Affected: yes.

PreventionGenetics, part of Exact Sciences
Classification: Likely benign for GPR179-related condition. Last evaluated: 2019-06-17. Review status: no assertion criteria provided. Collection method: clinical testing. Allele origin: germline. Not counted in ClinVar's aggregate classification.
Comment: This variant is classified as likely benign based on ACMG/AMP sequence variant interpretation guidelines (Richards et al. 2015 PMID: 25741868, with internal and published modifications).

NM_001004334.4(GPR179):c.5563C>G (p.Leu1855Val)

Gene: GPR179 (G protein-coupled receptor 179; minus strand). Cytogenetic location: 17q12.
Variant type: single nucleotide variant.
Coding change: c.5563C>G on transcript NM_001004334.4 (MANE Select); coding-DNA position 5563, C replaced by G.
Protein change: p.Leu1855Val; replaces leucine 1855 with valine.
Molecular consequence: missense variant.
Genome position (GRCh38, 1-based): chr17:38,328,006, G>C on the plus strand (C>G on the coding strand, the complement: GPR179 is on the minus strand). VCF-style: chr17-38328006-G-C. GRCh37 (hg19) VCF-style: chr17-36483889-G-C.
Other names: c.5563C>G (NM_001004334.3); short protein forms L1855V.
Identifiers: ClinVar variation 193821 (VCV000193821.21), dbSNP rs79954845, ClinGen allele CA200792.